The following is an entry in ClinVar:

NM_002382.5(MAX):c.216G>C (p.Gln72His)

Gene: MAX (MYC associated transcriptional regulator X; minus strand). Cytogenetic location: 14q23.3.
Variant type: single nucleotide variant.
Coding change: c.216G>C on transcript NM_002382.5 (MANE Select); coding-DNA position 216, G replaced by C.
Protein change: p.Gln72His; replaces glutamine 72 with histidine.
Molecular consequence: missense variant. On other transcripts: 5 prime UTR variant (6), non-coding transcript variant (7), intron variant (2).
Genome position (GRCh38, 1-based): chr14:65,077,992, C>G on the plus strand (G>C on the coding strand, the complement: MAX is on the minus strand). VCF-style: chr14-65077992-C-G. GRCh37 (hg19) VCF-style: chr14-65544710-C-G.
Other names: c.-59G>C (NM_001320415.2, NM_001407105.1, NM_001407106.1 and 1 more transcripts); c.216G>C, p.Gln72His (NM_001407094.1, NM_001407096.1, NM_001407097.1 and 3 more transcripts); c.189G>C, p.Gln63His (NM_001407095.1, NM_001407099.1, NM_001407100.1 and 6 more transcripts); c.108G>C, p.Gln36His (NM_001407098.1); c.-152G>C (NM_001407111.1, NM_001407112.1); c.144+15716G>C (NM_001271069.2); c.171+15716G>C (NM_197957.4); short protein forms Q36H, Q63H, Q72H.
Identifiers: ClinVar variation 3389678 (VCV003389678.14).
Genomic context (GRCh38, chr14:65,077,992, plus strand): 5'-ATTCTGCCGCTTGAGGTCGTCAATATCTTGCTGGTGTGTGTGGTTTTTCCTTCGCATATA[C>G]TGGATATATTCTGTGGCTTTGTCTAGGATTTGGGCCCGGGATGCCTGTGGCAATATGAGA-3'
Protein context (NP_002373.3, residues 62-82): QILDKATEYI[Gln72His]YMRRKNHTHQ

ClinVar aggregate classification (germline): Uncertain significance (1 of 4 stars; one submission).

Submission:

CeGaT Center for Human Genetics Tuebingen
Classification: Uncertain significance. Last evaluated: 2024-09-01. Review status: criteria provided, single submitter. Criteria: CeGaT Center For Human Genetics Tuebingen Variant Classification Criteria Version 2. Collection method: clinical testing. Allele origin: germline. Affected: yes. Observed: 1 variant allele.
Comment: MAX: PM2, PP3